The following is an entry in ClinVar:

ClinVar aggregate classification (germline): Uncertain significance. Review status: criteria provided, multiple submitters, no conflicts (2 of 4 stars). 4 submissions from 4 submitters: Uncertain significance (4). Last evaluated 2023-12-02.

Conditions:
Microcephaly, normal intelligence and immunodeficiency (NBS). Also called: Ataxia telangiectasia variant V1; SEEMANOVA SYNDROME II; Immunodeficiency, microcephaly with normal intelligence; Nijmegen breakage syndrome; Microcephaly with normal intelligence immunodeficiency and lymphoreticular malignancies; Nonsyndromal microcephaly autosomal recessive with normal intelligence. Identifiers: Orphanet 647, MedGen C0398791, MONDO:0009623, OMIM 251260.

Submissions (4):

Labcorp Genetics (formerly Invitae), Labcorp
Classification: Uncertain significance for Microcephaly, normal intelligence and immunodeficiency. Last evaluated: 2023-12-02. Review status: criteria provided, single submitter. Criteria: Invitae Variant Classification Sherloc (09022015). Collection method: clinical testing. Allele origin: germline.
Comment: This sequence change replaces lysine, which is basic and polar, with glutamic acid, which is acidic and polar, at codon 173 of the NBN protein (p.Lys173Glu). This variant is not present in population databases (gnomAD no frequency). This missense change has been observed in individual(s) with breast cancer (PMID: 35264596). ClinVar contains an entry for this variant (Variation ID: 584729). An algorithm developed to predict the effect of missense changes on protein structure and function (PolyPhen-2) suggests that this variant is likely to be disruptive. In summary, the available evidence is currently insufficient to determine the role of this variant in disease. Therefore, it has been classified as a Variant of Uncertain Significance.

Genome-Nilou Lab
Classification: Uncertain significance for Microcephaly, normal intelligence and immunodeficiency. Last evaluated: 2021-11-07. Review status: criteria provided, single submitter. Criteria: ACMG Guidelines, 2015. Collection method: clinical testing. Allele origin: germline. Affected: no.

Women's Health and Genetics/Laboratory Corporation of America, LabCorp
Classification: Uncertain significance. Last evaluated: 2018-08-17. Review status: criteria provided, single submitter. Criteria: LabCorp Variant Classification Summary - May 2015. Collection method: clinical testing. Allele origin: germline.
Comment: Variant summary: NBN c.517A>G (p.Lys173Glu) results in a conservative amino acid change in the encoded protein sequence. Four of five in-silico tools predict a damaging effect of the variant on protein function. The variant was absent in 121246 control chromosomes. The available data on variant occurrences in the general population are insufficient to allow any conclusion about variant significance. To our knowledge, no occurrence of c.517A>G in individuals affected with Nijmegen Breakage Syndrome and no experimental evidence demonstrating its impact on protein function have been reported. No clinical diagnostic laboratories have submitted clinical-significance assessments for this variant to ClinVar after 2014. Based on the evidence outlined above, the variant was classified as uncertain significance.

Mendelics
Classification: Uncertain significance for Microcephaly, normal intelligence and immunodeficiency. Last evaluated: 2018-07-02. Review status: criteria provided, single submitter. Criteria: Mendelics Assertion Criteria 2017. Collection method: clinical testing. Allele origin: unknown.

Literature cited by the submitters: PubMed 35264596 (cited by Labcorp Genetics (formerly Invitae), Labcorp).

NM_002485.5(NBN):c.517A>G (p.Lys173Glu)

Gene: NBN (nibrin; minus strand). Cytogenetic location: 8q21.3.
Variant type: single nucleotide variant.
Coding change: c.517A>G on transcript NM_002485.5 (MANE Select); coding-DNA position 517, A replaced by G.
Protein change: p.Lys173Glu; replaces lysine 173 with glutamic acid.
Molecular consequence: missense variant.
Genome position (GRCh38, 1-based): chr8:89,978,287, T>C on the plus strand (A>G on the coding strand, the complement: NBN is on the minus strand). VCF-style: chr8-89978287-T-C. GRCh37 (hg19) VCF-style: chr8-90990515-T-C.
Other names: c.271A>G, p.Lys91Glu (NM_001024688.3); short protein forms K173E, K91E.
Identifiers: ClinVar variation 584729 (VCV000584729.17), dbSNP rs1563574056, ClinGen allele CA371660369.